The following is an entry in ClinVar:

ClinVar aggregate classification (germline): Uncertain significance. Review status: criteria provided, multiple submitters, no conflicts (2 of 4 stars). 2 submissions from 2 submitters: Uncertain significance (2). Last evaluated 2024-01-01.

Conditions:
TBL1XR1-related disorder. Also called: TBL1XR1-related condition; TBL1XR1-related disorders. Identifiers: MedGen CN382633, MONDO:1060313.
Intellectual developmental disorder, autosomal dominant 41. Also called: Intellectual disability, autosomal dominant 41. Identifiers: Orphanet 2823, MedGen C4310784, MONDO:0014842, OMIM 616944.

Submissions (2):

Daryl Scott Lab, Baylor College of Medicine
Classification: Uncertain significance for TBL1XR1-related disorder. Last evaluated: 2024-01-01. Review status: criteria provided, single submitter. Criteria: ACMG Guidelines, 2015. Collection method: clinical testing. Allele origin: unknown. Observed: 1 heterozygote.
Comment: PM2, PP3

Baylor Genetics
Classification: Uncertain significance for Intellectual developmental disorder, autosomal dominant 41. Last evaluated: 2019-12-04. Review status: criteria provided, single submitter. Criteria: ACMG Guidelines, 2015. Collection method: clinical testing. Allele origin: unknown. Affected: yes.
Comment: This variant was determined to be of uncertain significance according to ACMG Guidelines, 2015 [PMID:25741868].

NM_024665.7(TBL1XR1):c.1156G>C (p.Asp386His)

Gene: TBL1XR1 (TBL1X/Y related 1; minus strand). Cytogenetic location: 3q26.32.
Variant type: single nucleotide variant.
Coding change: c.1156G>C on transcript NM_024665.7 (MANE Select); coding-DNA position 1156, G replaced by C.
Protein change: p.Asp386His; replaces aspartic acid 386 with histidine.
Molecular consequence: missense variant.
Genome position (GRCh38, 1-based): chr3:177,034,292, C>G on the plus strand (G>C on the coding strand, the complement: TBL1XR1 is on the minus strand). VCF-style: chr3-177034292-C-G. GRCh37 (hg19) VCF-style: chr3-176752080-C-G.
Other names: c.1156G>C, p.Asp386His (NM_001321193.3, NM_001321194.3, NM_001374327.1 and 2 more transcripts); c.895G>C, p.Asp299His (NM_001321195.3, NM_001374330.1); short protein forms D299H, D386H.
Identifiers: ClinVar variation 1028837 (VCV001028837.2), dbSNP rs1714448807, ClinGen allele CA355554783.